The following is an entry in ClinVar:

ClinVar aggregate classification (germline): Uncertain significance (1 of 4 stars; one submission).

Conditions:
CHARGE syndrome (CHARGE). Also called: Hittner Hirsch Kreh syndrome; Coloboma, heart anomaly, choanal atresia, retardation, genital and ear anomalies; CHARGE association; Hall-Hittner syndrome; CHARGE ASSOCIATION--COLOBOMA, HEART ANOMALY, CHOANAL ATRESIA, RETARDATION, GENITAL AND EAR ANOMALIES. Identifiers: Orphanet 138, MedGen C0265354, MONDO:0008965.

Allele frequency attached by ClinVar (database versions not stated): gnomAD exomes below 0.00001.
gnomAD v4.1: 1 of 1,609,774 alleles (0.000062%); highest among the groups gnomAD compares: Non-Finnish European, 0.000085%; no homozygotes.

Submission:

Labcorp Genetics (formerly Invitae), Labcorp
Classification: Uncertain significance for CHARGE syndrome. Last evaluated: 2019-04-24. Review status: criteria provided, single submitter. Criteria: Invitae Variant Classification Sherloc (09022015). Collection method: clinical testing. Allele origin: germline.
Comment: This sequence change replaces aspartic acid with glycine at codon 2321 of the CHD7 protein (p.Asp2321Gly). The aspartic acid residue is highly conserved and there is a moderate physicochemical difference between aspartic acid and glycine. This variant is not present in population databases (ExAC no frequency). This variant has not been reported in the literature in individuals with CHD7-related conditions. Algorithms developed to predict the effect of missense changes on protein structure and function are either unavailable or do not agree on the potential impact of this missense change (SIFT: "Deleterious"; PolyPhen-2: "Possibly Damaging"; Align-GVGD: "Class C0"). In summary, the available evidence is currently insufficient to determine the role of this variant in disease. Therefore, it has been classified as a Variant of Uncertain Significance.

NM_017780.4(CHD7):c.6962A>G (p.Asp2321Gly)

Gene: CHD7 (chromodomain helicase DNA binding protein 7; plus strand). Cytogenetic location: 8q12.2.
Variant type: single nucleotide variant.
Coding change: c.6962A>G on transcript NM_017780.4 (MANE Select); coding-DNA position 6962, A replaced by G.
Protein change: p.Asp2321Gly; replaces aspartic acid 2321 with glycine.
Molecular consequence: missense variant. On other transcripts: intron variant (1).
Genome position (GRCh38, 1-based): chr8:60,856,000, A>G. VCF-style: chr8-60856000-A-G. GRCh37 (hg19) VCF-style: chr8-61768559-A-G.
Other names: c.1717-6229A>G (NM_001316690.1); short protein forms D2321G.
Identifiers: ClinVar variation 949467 (VCV000949467.9), dbSNP rs1427557686, ClinGen allele CA371297845.